The following is an entry in ClinVar:

ClinVar aggregate classification (germline): Conflicting classifications of pathogenicity. Review status: criteria provided, conflicting classifications (1 of 4 stars). 7 submissions from 7 submitters: Uncertain significance (5); Likely benign (2). Last evaluated 2025-08-03.

Conditions:
Cardiovascular phenotype. Identifiers: MedGen CN230736.
Cardiomyopathy (CMYO). Also called: Cardiomyopathies. Identifiers: Orphanet 167848, MedGen C0878544, MONDO:0004994, HP:0001638. Inheritance: Various modes of inheritance.
Hypertrophic cardiomyopathy. Also called: HYPERTROPHIC MYOCARDIOPATHY. Identifiers: Orphanet 217569, MedGen C0007194, MeSH D002312, MONDO:0005045, HP:0001639.

Allele frequency attached by ClinVar (database versions not stated): ExAC 0.00002; gnomAD exomes 0.00004; gnomAD 0.00005; TOPMed 0.00006.
gnomAD v4.1: 122 of 1,605,988 alleles (0.0076%); highest among the groups gnomAD compares: Non-Finnish European, 0.0096%; no homozygotes.

Submissions (7):

Labcorp Genetics (formerly Invitae), Labcorp
Classification: Uncertain significance for Hypertrophic cardiomyopathy. Last evaluated: 2025-08-03. Review status: criteria provided, single submitter. Criteria: Invitae Variant Classification Sherloc (09022015). Collection method: clinical testing. Allele origin: germline.
Comment: This sequence change falls in intron 37 of the MYH7 gene. It does not directly change the encoded amino acid sequence of the MYH7 protein. It affects a nucleotide within the consensus splice site. This variant is present in population databases (rs727504319, gnomAD 0.007%). This variant has been observed in individual(s) with hypertrophic cardiomyopathy (PMID: 25351510). ClinVar contains an entry for this variant (Variation ID: 177782). Variants that disrupt the consensus splice site are a relatively common cause of aberrant splicing (PMID: 17576681, 9536098). Algorithms developed to predict the effect of sequence changes on RNA splicing suggest that this variant is not likely to affect RNA splicing. In summary, the available evidence is currently insufficient to determine the role of this variant in disease. Therefore, it has been classified as a Variant of Uncertain Significance.

Ambry Genetics
Classification: Uncertain significance for Cardiovascular phenotype. Last evaluated: 2025-01-05. Review status: criteria provided, single submitter. Criteria: Ambry Variant Classification Scheme 2023. Collection method: clinical testing. Allele origin: germline.
Comment: The c.5559+4C>T intronic variant results from a C to T substitution 4 nucleotides after coding exon 35 in the MYH7 gene. This alteration has been reported in a hypertrophic cardiomyopathy (HCM) cohort; however, clinical details were limited (Lopes LR et al. Heart, 2015 Feb;101:294-301). This nucleotide position is not well conserved in available vertebrate species. In silico splice site analysis predicts that this alteration will not have any significant effect on splicing. Based on the available evidence, the clinical significance of this variant remains unclear.

Revvity Omics, Revvity
Classification: Uncertain significance. Last evaluated: 2024-12-18. Review status: criteria provided, single submitter. Criteria: ACMG Guidelines, 2015. Collection method: clinical testing. Allele origin: germline.

Women's Health and Genetics/Laboratory Corporation of America, LabCorp
Classification: Uncertain significance. Last evaluated: 2024-10-28. Review status: criteria provided, single submitter. Criteria: LabCorp Variant Classification Summary - May 2015. Collection method: clinical testing. Allele origin: germline.
Comment: Variant summary: MYH7 c.5559+4C>T alters a non-conserved nucleotide located close to a canonical splice site and therefore could affect mRNA splicing, leading to a significantly altered protein sequence. Consensus agreement among computation tools predict no significant impact on normal splicing. However, these predictions have yet to be confirmed by functional studies. The variant allele was found at a frequency of 4.5e-05 in 245684 control chromosomes (gnomAD). This frequency is not significantly higher than estimated for a pathogenic variant in MYH7 causing Cardiomyopathy (4.5e-05 vs 0.0013), allowing no conclusion about variant significance. c.5559+4C>T has been reported in the literature in individuals affected with dilated cardiomyopathy and hypertrophic cardiomyopathy without strong evidence of causality (Zimmerman_2010, Lopes_2015). These reports do not provide unequivocal conclusions about association of the variant with Cardiomyopathy. To our knowledge, no experimental evidence demonstrating an impact on protein function has been reported. The following publications have been ascertained in the context of this evaluation (PMID: 20474083, 25351510). ClinVar contains an entry for this variant (Variation ID: 177782). Based on the evidence outlined above, the variant was classified as uncertain significance.

GeneDx
Classification: Likely benign. Last evaluated: 2019-12-09. Review status: criteria provided, single submitter. Criteria: GeneDx Variant Classification Process June 2021. Collection method: clinical testing. Allele origin: germline. Affected: yes.
Comment: This variant is associated with the following publications: (PMID: 25351510, 20474083)

Color Diagnostics, LLC DBA Color Health
Classification: Likely benign for Cardiomyopathy. Last evaluated: 2019-07-09. Review status: criteria provided, single submitter. Criteria: ACMG Guidelines, 2015. Collection method: clinical testing. Allele origin: germline.

Laboratory for Molecular Medicine, Mass General Brigham Personalized Medicine
Classification: Uncertain significance. Last evaluated: 2013-01-24. Review status: criteria provided, single submitter. Criteria: LMM Criteria. Collection method: clinical testing. Allele origin: germline. Observed: 2 variant alleles.
Comment: proposed classification - variant undergoing re-assessment, contact laboratory

Literature cited by the submitters: PubMed 25351510 (cited by 3 submitters); PubMed 17576681 (cited by Labcorp Genetics (formerly Invitae), Labcorp); PubMed 9536098 (cited by Labcorp Genetics (formerly Invitae), Labcorp); PubMed 20474083 (cited by Ambry Genetics and Women's Health and Genetics/Laboratory Corporation of America, LabCorp).

NM_000257.4(MYH7):c.5559+4C>T

Gene: MYH7 (myosin heavy chain 7; minus strand). Cytogenetic location: 14q11.2.
Variant type: single nucleotide variant.
Coding change: c.5559+4C>T on transcript NM_000257.4 (MANE Select); 4 bases into the intron after coding-DNA position 5559, C replaced by T.
Molecular consequence: intron variant.
Genome position (GRCh38, 1-based): chr14:23,414,991, G>A on the plus strand (C>T on the coding strand, the complement: MYH7 is on the minus strand). VCF-style: chr14-23414991-G-A. GRCh37 (hg19) VCF-style: chr14-23884200-G-A.
Identifiers: ClinVar variation 177782 (VCV000177782.20), dbSNP rs727504319, ClinGen allele CA016235.